The following is an entry in ClinVar:

ClinVar aggregate classification (germline): Uncertain significance (0 of 4 stars; one submission).

Conditions:
Atypical glycine encephalopathy. Also called: Glycine encephalopathy with normal serum glycine. Identifiers: Orphanet 289863, MedGen C4310943, MONDO:0015010, OMIM 617301.

Submission:

Hacettepe Pediatric Genetics Laboratory, Hacettepe University
Classification: Uncertain significance for Atypical glycine encephalopathy. Last evaluated: 2022-06-08. Review status: no assertion criteria provided. Collection method: clinical testing. Allele origin: germline. Inheritance: Autosomal recessive inheritance. Affected: yes. Observed: 3 variant alleles, 3 heterozygotes. Clinical features observed: Edema (HP:0000969), Joint stiffness (HP:0001387), Limb joint contracture (HP:0003121).
Comment: The affected three fetuses exhibited a similar phenotypes including short neck, thoracic kyphosis, hypertrichosis, joint contractures and dislocations, hypertonia, knee hyperextension and facial dysmorphic features. The SLC6A9 variant is classified as “VUS” according to ACMG 2015 criteria and the CADD score was calculated as 27.7.

NM_001024845.3(SLC6A9):c.250G>A (p.Glu84Lys)

Gene: SLC6A9 (solute carrier family 6 member 9; minus strand). Cytogenetic location: 1p34.1.
Variant type: single nucleotide variant.
Coding change: c.250G>A on transcript NM_001024845.3 (MANE Select); coding-DNA position 250, G replaced by A.
Protein change: p.Glu84Lys; replaces glutamic acid 84 with lysine.
Molecular consequence: missense variant. On other transcripts: non-coding transcript variant (1), intron variant (3).
Genome position (GRCh38, 1-based): chr1:44,010,034, C>T on the plus strand (G>A on the coding strand, the complement: SLC6A9 is on the minus strand). VCF-style: chr1-44010034-C-T. GRCh37 (hg19) VCF-style: chr1-44475706-C-T.
Other names: c.262G>A, p.Glu88Lys (NM_001261380.2); c.187G>A, p.Glu63Lys (NM_001328627.1); c.250G>A, p.Glu84Lys (NM_001328629.1); c.307G>A, p.Glu103Lys (NM_006934.4); c.469G>A, p.Glu157Lys (NM_201649.4); c.-14-1411G>A (NM_001328630.2, NM_001328626.2); c.125-1411G>A (NM_001328628.1); short protein forms E103K, E157K, E63K, E84K, E88K.
Identifiers: ClinVar variation 1691570 (VCV001691570.2), dbSNP rs2529291557, ClinGen allele CA340072852.
Genomic context (GRCh38, chr1:44,010,034, plus strand): 5'-TGGGGCTGATCCTCCAGACCCCCAGGCACCCCTGGCTTGCAAACTGGCCGAAGGAGAGCT[C>T]CATGAAGAAGAGGGGGATCCCGCAGAAGATGAGCATGATGAAGTAGGGGAACATGAAGGC-3'
Protein context (NP_001020016.1, residues 74-94): IFCGIPLFFM[Glu84Lys]LSFGQFASQG